The following is an entry in ClinVar:

NM_004655.4(AXIN2):c.1985T>C (p.Leu662Pro)

Gene: AXIN2 (axin 2; minus strand). Cytogenetic location: 17q24.1.
Variant type: single nucleotide variant.
Coding change: c.1985T>C on transcript NM_004655.4 (MANE Select); coding-DNA position 1985, T replaced by C.
Protein change: p.Leu662Pro; replaces leucine 662 with proline.
Molecular consequence: missense variant.
Genome position (GRCh38, 1-based): chr17:65,536,476, A>G on the plus strand (T>C on the coding strand, the complement: AXIN2 is on the minus strand). VCF-style: chr17-65536476-A-G. GRCh37 (hg19) VCF-style: chr17-63532594-A-G.
Other names: p.L662P:CTG>CCG; c.1790T>C, p.Leu597Pro (NM_001363813.1); c.1985T>C (LRG_296t1); short protein forms L662P, L597P.
Identifiers: ClinVar variation 127939 (VCV000127939.83), dbSNP rs142476324, ClinGen allele CA288092.
Genomic context (GRCh38, chr17:65,536,476, plus strand): 5'-TCCTGGGTGAACAGGTGGGCACGGGGGGTGGTGCGGGGGTGCCCGCTGTTGCCCCCCCAC[A>G]GATGGTGCCGGCTGGCTCGTTCGCCTGGAGACGAGCGGGCAGACTCCAAGGGGTAGGCCT-3'
Protein context (NP_004646.3, residues 652-672): SPGERASRHH[Leu662Pro]WGGNSGHPRT

ClinVar aggregate classification (germline): Conflicting classifications of pathogenicity. Review status: criteria provided, conflicting classifications (1 of 4 stars). 19 submissions from 19 submitters: Uncertain significance (2); Benign (5); Likely benign (7). 5 of the submissions do not count toward it. Last evaluated 2026-02-03.

Conditions:
AXIN2-related disorder.
Hereditary cancer-predisposing syndrome. Also called: Tumor predisposition; Hereditary neoplastic syndrome; Neoplastic Syndromes, Hereditary; Hereditary Cancer Syndrome. Identifiers: Orphanet 140162, MedGen C0027672, MeSH D009386, MONDO:0015356.
Oligodontia-cancer predisposition syndrome. Also called: TOOTH AGENESIS-COLORECTAL CANCER SYNDROME. Identifiers: Orphanet 300576, MedGen C1837750, MONDO:0012075, OMIM 608615. Disease mechanism: loss of function.

Allele frequency attached by ClinVar (database versions not stated): 1000 Genomes Project 30x 0.00078; gnomAD 0.00084 and 0.00086; 1000 Genomes Project 0.00100; gnomAD exomes 0.00102 and 0.00124; ExAC 0.00105; TOPMed 0.00114; ESP Exome Variant Server 0.00139.
gnomAD v4.1: 1,944 of 1,613,924 alleles (0.12%); highest among the groups gnomAD compares: Middle Eastern, 0.36%; 5 homozygotes.

Submissions (19):

Labcorp Genetics (formerly Invitae), Labcorp
Classification: Likely benign for Oligodontia-cancer predisposition syndrome. Last evaluated: 2026-02-03. Review status: criteria provided, single submitter. Criteria: Invitae Variant Classification Sherloc (09022015). Collection method: clinical testing. Allele origin: germline.

Center for Genomic Medicine, Rigshospitalet, Copenhagen University Hospital
Classification: Uncertain significance. Last evaluated: 2025-12-29. Review status: criteria provided, single submitter. Criteria: ACMG Guidelines, 2015. Collection method: clinical testing. Allele origin: germline.

CeGaT Center for Human Genetics Tuebingen
Classification: Likely benign. Last evaluated: 2025-09-01. Review status: criteria provided, single submitter. Criteria: CeGaT Center For Human Genetics Tuebingen Variant Classification Criteria Version 2. Collection method: clinical testing. Allele origin: germline. Affected: yes. Observed: 10 variant alleles.
Comment: AXIN2: BS1

Mayo Clinic Laboratories, Mayo Clinic
Classification: Likely benign. Last evaluated: 2025-08-29. Review status: criteria provided, single submitter. Criteria: ACMG Guidelines, 2015. Collection method: clinical testing. Allele origin: germline. Observed: 3 variant alleles.
Comment: BS1, BP4

Laboratorio de I+D, Fundación Centro Médico de Asturias
Classification: Benign for Hereditary cancer-predisposing syndrome. Last evaluated: 2025-07-08. Review status: criteria provided, single submitter. Criteria: ACMG Guidelines, 2015. Collection method: clinical testing. Allele origin: germline.
Comment: BS1+BP4_Strong+BP1

Quest Diagnostics Nichols Institute San Juan Capistrano
Classification: Benign. Last evaluated: 2025-05-18. Review status: criteria provided, single submitter. Criteria: Quest Diagnostics criteria. Collection method: clinical testing. Allele origin: unknown.

Blueprint Genetics
Classification: Likely benign. Last evaluated: 2024-11-28. Review status: criteria provided, single submitter. Criteria: ACMG Guidelines, 2015. Collection method: clinical testing. Allele origin: germline.

ARUP Laboratories, Molecular Genetics and Genomics, ARUP Laboratories
Classification: Likely benign. Last evaluated: 2024-03-25. Review status: criteria provided, single submitter. Criteria: ARUP Molecular Germline Variant Investigation Process 2024. Collection method: clinical testing. Allele origin: germline.

Institute for Clinical Genetics, University Hospital TU Dresden, University Hospital TU Dresden
Classification: Uncertain significance. Last evaluated: 2021-11-03. Review status: criteria provided, single submitter. Criteria: ACMG Guidelines, 2015. Collection method: clinical testing. Allele origin: germline.

Women's Health and Genetics/Laboratory Corporation of America, LabCorp
Classification: Benign. Last evaluated: 2021-06-07. Review status: criteria provided, single submitter. Criteria: LabCorp Variant Classification Summary - May 2015. Collection method: clinical testing. Allele origin: germline.
Comment: Variant summary: AXIN2 c.1985T>C (p.Leu662Pro) results in a non-conservative amino acid change in the encoded protein sequence. Three of five in-silico tools predict a benign effect of the variant on protein function. The variant allele was found at a frequency of 0.001 in 245612 control chromosomes in the gnomAD database, including 1 homozygote. The observed variant frequency is approximately 7 fold of the estimated maximal expected allele frequency for a pathogenic variant in AXIN2 causing Colorectal Cancer phenotype (0.00014), strongly suggesting that the variant is benign. To our knowledge, no occurrence of c.1985T>C in individuals affected with Colorectal Cancer and no experimental evidence demonstrating its impact on protein function have been reported. Five clinical diagnostic laboratories have submitted clinical-significance assessments for this variant to ClinVar after 2014 without evidence for independent evaluation with a predominant consensus as likely benign (n=3)/benign (n=1). Based on the evidence outlined above, the variant was classified as benign.

Sema4
Classification: Benign for Hereditary cancer-predisposing syndrome. Last evaluated: 2020-09-29. Review status: criteria provided, single submitter. Criteria: Sema4 Curation Guidelines. Collection method: curation. Allele origin: germline.

Ambry Genetics
Classification: Likely benign for Hereditary cancer-predisposing syndrome. Last evaluated: 2018-10-30. Review status: criteria provided, single submitter. Criteria: Ambry Variant Classification Scheme 2023. Collection method: clinical testing. Allele origin: germline.

GeneDx
Classification: Likely benign. Last evaluated: 2018-01-19. Review status: criteria provided, single submitter. Criteria: GeneDx Variant Classification (06012015). Collection method: clinical testing. Allele origin: germline. Affected: yes.
Comment: This variant is considered likely benign or benign based on one or more of the following criteria: it is a conservative change, it occurs at a poorly conserved position in the protein, it is predicted to be benign by multiple in silico algorithms, and/or has population frequency not consistent with disease.

Illumina Laboratory Services, Illumina
Classification: Benign for Oligodontia-cancer predisposition syndrome. Last evaluated: 2018-01-12. Review status: criteria provided, single submitter. Criteria: ICSL Variant Classification Criteria 13 December 2019. Collection method: clinical testing. Allele origin: germline.
Comment: This variant was observed in the ICSL laboratory as part of a predisposition screen in an ostensibly healthy population. It had not been previously curated by ICSL or reported in the Human Gene Mutation Database (HGMD: prior to June 1st, 2018), and was therefore a candidate for classification through an automated scoring system. Utilizing variant allele frequency, disease prevalence and penetrance estimates, and inheritance mode, an automated score was calculated to assess if this variant is too frequent to cause the disease. Based on the score and internal cut-off values, a variant classified as benign is not then subjected to further curation. The score for this variant resulted in a classification of benign for this disease.

PreventionGenetics, part of Exact Sciences
Classification: Likely benign for AXIN2-related condition. Last evaluated: 2020-06-22. Review status: no assertion criteria provided. Collection method: clinical testing. Allele origin: germline. Not counted in ClinVar's aggregate classification.
Comment: This variant is classified as likely benign based on ACMG/AMP sequence variant interpretation guidelines (Richards et al. 2015 PMID: 25741868, with internal and published modifications).

Clinical Genetics DNA and cytogenetics Diagnostics Lab, Erasmus MC, Erasmus Medical Center
Classification: Likely benign. Review status: no assertion criteria provided. Collection method: clinical testing. Allele origin: germline. Affected: yes. Study: VKGL Data-share Consensus. Not counted in ClinVar's aggregate classification.

Clinical Genetics, Academic Medical Center
Classification: Likely benign. Review status: no assertion criteria provided. Collection method: clinical testing. Allele origin: germline. Affected: yes. Study: VKGL Data-share Consensus. Not counted in ClinVar's aggregate classification.

Genome Diagnostics Laboratory, University Medical Center Utrecht
Classification: Benign. Review status: no assertion criteria provided. Collection method: clinical testing. Allele origin: germline. Affected: yes. Study: VKGL Data-share Consensus. Not counted in ClinVar's aggregate classification.

Laboratory of Diagnostic Genome Analysis, Leiden University Medical Center (LUMC)
Classification: Likely benign. Review status: no assertion criteria provided. Collection method: clinical testing. Allele origin: germline. Affected: yes. Study: VKGL Data-share Consensus. Not counted in ClinVar's aggregate classification.

Literature cited by the submitters: PubMed 29641532 (cited by Quest Diagnostics Nichols Institute San Juan Capistrano); PubMed 38136308 (cited by Quest Diagnostics Nichols Institute San Juan Capistrano).